The following is an entry in ClinVar:

NM_018136.5(ASPM):c.7480T>C (p.Tyr2494His)

Gene: ASPM (assembly factor for spindle microtubules; minus strand). Cytogenetic location: 1q31.3.
Variant type: single nucleotide variant.
Coding change: c.7480T>C on transcript NM_018136.5 (MANE Select); coding-DNA position 7480, T replaced by C.
Protein change: p.Tyr2494His; replaces tyrosine 2494 with histidine.
Molecular consequence: missense variant. On other transcripts: intron variant (1).
Genome position (GRCh38, 1-based): chr1:197,101,771, A>G on the plus strand (T>C on the coding strand, the complement: ASPM is on the minus strand). VCF-style: chr1-197101771-A-G. GRCh37 (hg19) VCF-style: chr1-197070901-A-G.
Other names: p.Y2494H:TAC>CAC; c.4066-5607T>C (NM_001206846.2); short protein forms Y2494H.
Identifiers: ClinVar variation 21599 (VCV000021599.30), dbSNP rs964201, ClinGen allele CA171242.
Genomic context (GRCh38, chr1:197,101,771, plus strand): 5'-AATGTTGCTGAATTAGAATTGAAGCATGTTTCCAAGTCTGAAATGTAATATATGTTCTGT[A>G]CATCCTGAAAGTAGCCTGAATGAGAACTGCAGCCCTTTGCATTTCTTGTAACTTCTTCTT-3'
Protein context (NP_060606.3, residues 2484-2504): AVLIQATFRM[Tyr2494His]RTYITFQTWK

ClinVar aggregate classification (germline): Benign. Review status: criteria provided, multiple submitters, no conflicts (2 of 4 stars). 14 submissions from 14 submitters: Benign (11). 3 of the submissions do not count toward it. Last evaluated 2026-02-04.

Conditions:
Microcephaly 5, primary, autosomal recessive (MCPH5). Also called: ASPM Primary Microcephaly. Identifiers: Orphanet 2512, MedGen C1837501, MONDO:0012106, OMIM 608716.

Allele frequency attached by ClinVar (database versions not stated): gnomAD exomes 0.99634 and 0.99464; 1000 Genomes Project 0.99740; ExAC 0.99560; ESP Exome Variant Server 0.99569; TOPMed 0.99654; gnomAD 0.99668 and 0.99679; 1000 Genomes Project 30x 0.99719.
gnomAD v4.1: 1,604,366 of 1,612,646 alleles (99%); highest among the groups gnomAD compares: Middle Eastern, 100%; 798,074 homozygotes.

Submissions (14):

Labcorp Genetics (formerly Invitae), Labcorp
Classification: Benign. Last evaluated: 2026-02-04. Review status: criteria provided, single submitter. Criteria: Invitae Variant Classification Sherloc (09022015). Collection method: clinical testing. Allele origin: germline.

Blueprint Genetics
Classification: Benign. Last evaluated: 2024-11-26. Review status: criteria provided, single submitter. Criteria: ACMG Guidelines, 2015. Collection method: clinical testing. Allele origin: germline.

Genome-Nilou Lab
Classification: Benign for Microcephaly 5, primary, autosomal recessive. Last evaluated: 2021-07-14. Review status: criteria provided, single submitter. Criteria: ACMG Guidelines, 2015. Collection method: clinical testing. Allele origin: germline. Affected: no.

Illumina Laboratory Services, Illumina
Classification: Benign for Microcephaly 5, primary, autosomal recessive. Last evaluated: 2018-01-13. Review status: criteria provided, single submitter. Criteria: ICSL Variant Classification Criteria 13 December 2019. Collection method: clinical testing. Allele origin: germline.
Comment: This variant was observed in the ICSL laboratory as part of a predisposition screen in an ostensibly healthy population. It had not been previously curated by ICSL or reported in the Human Gene Mutation Database (HGMD: prior to June 1st, 2018), and was therefore a candidate for classification through an automated scoring system. Utilizing variant allele frequency, disease prevalence and penetrance estimates, and inheritance mode, an automated score was calculated to assess if this variant is too frequent to cause the disease. Based on the score and internal cut-off values, a variant classified as benign is not then subjected to further curation. The score for this variant resulted in a classification of benign for this disease.

Clinical Genetics DNA and cytogenetics Diagnostics Lab, Erasmus MC, Erasmus Medical Center
Classification: Benign for Microcephaly 5, primary, autosomal recessive. Last evaluated: 2017-05-31. Review status: criteria provided, single submitter. Criteria: ACGS Guidelines, 2013. Collection method: clinical testing. Allele origin: germline. Affected: yes. Study: VKGL Data-share Consensus.

Eurofins Ntd Llc (ga)
Classification: Benign. Last evaluated: 2014-02-27. Review status: criteria provided, single submitter. Criteria: EGL Classification Definitions 2015. Collection method: clinical testing. Allele origin: germline. Observed: 1 variant allele, 1 homozygote.

GeneDx
Classification: Benign. Last evaluated: 2013-12-18. Review status: criteria provided, single submitter. Criteria: GeneDx Variant Classification (06012015). Collection method: clinical testing. Allele origin: germline. Affected: yes.
Comment: This variant is considered likely benign or benign based on one or more of the following criteria: it is a conservative change, it occurs at a poorly conserved position in the protein, it is predicted to be benign by multiple in silico algorithms, and/or has population frequency not consistent with disease.

Genetic Services Laboratory, University of Chicago
Classification: Benign. Last evaluated: 2013-02-08. Review status: criteria provided, single submitter. Criteria: ACMG Guidelines, 2007. Collection method: clinical testing. Allele origin: germline. Inheritance: Autosomal recessive inheritance.

Athena Diagnostics
Classification: Benign. Last evaluated: 2012-07-30. Review status: criteria provided, single submitter. Criteria: Athena Diagnostics Criteria. Collection method: clinical testing. Allele origin: germline.

Breakthrough Genomics
Classification: Benign. Review status: criteria provided, single submitter. Criteria: ACMG Guidelines, 2015. Collection method: not provided. Allele origin: germline. Inheritance: Autosomal recessive inheritance. Affected: yes.

PreventionGenetics, part of Exact Sciences
Classification: Benign. Review status: criteria provided, single submitter. Criteria: ACMG Guidelines, 2015. Collection method: clinical testing. Allele origin: germline.

Diagnostic Laboratory, Department of Genetics, University Medical Center Groningen
Classification: Benign for Microcephaly 5, primary, autosomal recessive. Review status: no assertion criteria provided. Collection method: clinical testing. Allele origin: germline. Affected: yes. Study: VKGL Data-share Consensus. Not counted in ClinVar's aggregate classification.

GeneReviews
No classification provided. Condition: Microcephaly 5, primary, autosomal recessive. Review status: no classification provided. Collection method: literature only. Allele origin: unknown. Not counted in ClinVar's aggregate classification.

Joint Genome Diagnostic Labs from Nijmegen and Maastricht, Radboudumc and MUMC+
Classification: Benign. Review status: no assertion criteria provided. Collection method: clinical testing. Allele origin: germline. Affected: yes. Study: VKGL Data-share Consensus. Not counted in ClinVar's aggregate classification.

Literature cited by the submitters: PubMed 25480035 (cited by Athena Diagnostics); PubMed 16141009 (cited by Athena Diagnostics); PubMed 20301772 (cited by GeneReviews); NCBI Bookshelf NBK9587 (cited by GeneReviews).